The following is an entry in ClinVar:

ClinVar aggregate classification (germline): Uncertain significance (1 of 4 stars; one submission).

Allele frequency attached by ClinVar (database versions not stated): gnomAD exomes below 0.00001.
gnomAD v4.1: 1 of 1,584,096 alleles (0.000063%); highest among the groups gnomAD compares: Non-Finnish European, 0.000086%; no homozygotes.

Submission:

Ambry Genetics
Classification: Uncertain significance. Last evaluated: 2023-11-04. Review status: criteria provided, single submitter. Criteria: Ambry Variant Classification Scheme 2023. Collection method: clinical testing. Allele origin: germline.
Comment: The p.C57R variant (also known as c.169T>C), located in coding exon 2 of the POLQ gene, results from a T to C substitution at nucleotide position 169. The cysteine at codon 57 is replaced by arginine, an amino acid with highly dissimilar properties. This amino acid position is conserved. In addition, this alteration is predicted to be tolerated by in silico analysis. Since supporting evidence is limited at this time, the clinical significance of this alteration remains unclear.

NM_199420.4(POLQ):c.169T>C (p.Cys57Arg)

Gene: POLQ (DNA polymerase theta; minus strand). Cytogenetic location: 3q13.33.
Variant type: single nucleotide variant.
Coding change: c.169T>C on transcript NM_199420.4 (MANE Select); coding-DNA position 169, T replaced by C.
Protein change: p.Cys57Arg; replaces cysteine 57 with arginine.
Molecular consequence: missense variant.
Genome position (GRCh38, 1-based): chr3:121,544,901, A>G on the plus strand (T>C on the coding strand, the complement: POLQ is on the minus strand). VCF-style: chr3-121544901-A-G. GRCh37 (hg19) VCF-style: chr3-121263748-A-G.
Other names: short protein forms C57R.
Identifiers: ClinVar variation 3229855 (VCV003229855.1), dbSNP rs2546828042, ClinGen allele CA354095100.